The following is an entry in ClinVar:

NM_001379286.1(ZNF423):c.495G>T (p.Glu165Asp)

Gene: ZNF423 (zinc finger protein 423; minus strand). Cytogenetic location: 16q12.1.
Variant type: single nucleotide variant.
Coding change: c.495G>T on transcript NM_001379286.1 (MANE Select); coding-DNA position 495, G replaced by T.
Protein change: p.Glu165Asp; replaces glutamic acid 165 with aspartic acid.
Molecular consequence: missense variant.
Genome position (GRCh38, 1-based): chr16:49,638,681, C>A on the plus strand (G>T on the coding strand, the complement: ZNF423 is on the minus strand). VCF-style: chr16-49638681-C-A. GRCh37 (hg19) VCF-style: chr16-49672592-C-A.
Other names: c.291G>T, p.Glu97Asp (NM_001271620.2); c.120G>T, p.Glu40Asp (NM_001330533.2); c.471G>T, p.Glu157Asp (NM_015069.5); short protein forms E157D, E165D, E40D, E97D.
Identifiers: ClinVar variation 1310559 (VCV001310559.2), dbSNP rs1972856533, ClinGen allele CA395852356.
Genomic context (GRCh38, chr16:49,638,681, plus strand): 5'-GTGCTTGAAGAGGCGGCTGCAGTAGGTGCACTTGAACGGCAGCTTGTCGCTGTGGATCTG[C>A]TCGTGCCTCTTCAAGTAGCTCAAGCGGATGAAGGACTTGTCGCAGAACTGGCAAGGGTAT-3'
Protein context (NP_001366215.1, residues 155-175): FIRLSYLKRH[Glu165Asp]QIHSDKLPFK

ClinVar aggregate classification (germline): Uncertain significance (1 of 4 stars; one submission).

Submission:

GeneDx
Classification: Uncertain significance. Last evaluated: 2019-11-27. Review status: criteria provided, single submitter. Criteria: GeneDx Variant Classification Process June 2021. Collection method: clinical testing. Allele origin: germline. Affected: yes.
Comment: Not observed in large population cohorts (Lek et al., 2016); In silico analysis, which includes protein predictors and evolutionary conservation, supports that this variant does not alter protein structure/function; Has not been previously published as pathogenic or benign to our knowledge